The following is an entry in ClinVar:

ClinVar aggregate classification (germline): Pathogenic (1 of 4 stars; one submission).

Conditions:
Early-infantile DEE. Also called: Ohtahara syndrome; Early infantile epileptic encephalopathy with suppression bursts; Early infantile epileptic encephalopathy. Identifiers: Orphanet 1934, MedGen C0393706, MONDO:0800491.

Submission:

Labcorp Genetics (formerly Invitae), Labcorp
Classification: Pathogenic for Early-infantile DEE. Last evaluated: 2022-03-08. Review status: criteria provided, single submitter. Criteria: Invitae Variant Classification Sherloc (09022015). Collection method: clinical testing. Allele origin: germline.
Comment: This sequence change creates a premature translational stop signal (p.Asn1672Lysfs*8) in the SCN1A gene. While this is not anticipated to result in nonsense mediated decay, it is expected to disrupt the last 338 amino acid(s) of the SCN1A protein. For these reasons, this variant has been classified as Pathogenic. This variant disrupts a region of the SCN1A protein in which other variant(s) (p.Thr1909del) have been determined to be pathogenic (PMID: 21248271, 28102150). This suggests that this is a clinically significant region of the protein, and that variants that disrupt it are likely to be disease-causing. This variant has not been reported in the literature in individuals affected with SCN1A-related conditions. This variant is not present in population databases (gnomAD no frequency).

Literature cited by the submitters: PubMed 21248271; PubMed 28102150.

NM_001165963.4(SCN1A):c.5016del (p.Asn1672fs)

Genes: SCN1A (sodium voltage-gated channel alpha subunit 1; minus strand), LOC102724058 (uncharacterized LOC102724058; plus strand). Cytogenetic location: 2q24.3.
Variant type: Deletion.
Coding change: c.5016del on transcript NM_001165963.4 (MANE Select); coding-DNA position 5016, one base deleted (C; older notation c.5016delC).
Protein change: p.Asn1672fs; shifts the reading frame from asparagine 1672.
Molecular consequence: frameshift variant. On other transcripts: non-coding transcript variant (1).
Genome position (GRCh38, 1-based): chr2:165,992,259, G deleted on the plus strand (C on the coding strand, the reverse complement: SCN1A is on the minus strand). VCF-style (leftmost placement, unchanged base first): chr2-165992258-TG-T. GRCh37 (hg19) VCF-style: chr2-166848768-TG-T.
Other names: c.4932del, p.Asn1644fs (NM_001165964.3, NM_001353957.2, NM_001353958.2); c.5016del, p.Asn1672fs (NM_001202435.3, NM_001353948.2); c.4983del, p.Asn1661fs (NM_001353949.2, NM_001353950.2, NM_001353951.2 and 2 more transcripts); c.4980del, p.Asn1660fs (NM_001353954.2, NM_001353955.2); c.4929del, p.Asn1643fs (NM_001353960.2); c.2574del, p.Asn858fs (NM_001353961.2); short protein forms N1660fs, N1644fs, N1661fs, N1672fs, N858fs, N1643fs.
Identifiers: ClinVar variation 1412416 (VCV001412416.7), dbSNP rs2105433569, ClinGen allele CA2573133698.